The following is an entry in ClinVar:

NM_006269.2(RP1):c.3816G>T (p.Glu1272Asp)

Gene: RP1 (RP1 axonemal microtubule associated; plus strand). Cytogenetic location: 8q12.1.
Variant type: single nucleotide variant.
Coding change: c.3816G>T on transcript NM_006269.2 (MANE Select); coding-DNA position 3816, G replaced by T.
Protein change: p.Glu1272Asp; replaces glutamic acid 1272 with aspartic acid.
Molecular consequence: missense variant. On other transcripts: intron variant (1).
Genome position (GRCh38, 1-based): chr8:54,627,698, G>T. VCF-style: chr8-54627698-G-T. GRCh37 (hg19) VCF-style: chr8-55540258-G-T.
Other names: c.787+5410G>T (NM_001375654.1); short protein forms E1272D.
Identifiers: ClinVar variation 1919227 (VCV001919227.5), dbSNP rs778245191, ClinGen allele CA4751751.

ClinVar aggregate classification (germline): Uncertain significance (1 of 4 stars; one submission).

Allele frequency attached by ClinVar (database versions not stated): TOPMed below 0.00001; ExAC 0.00002.
gnomAD v4.1: 20 of 1,614,026 alleles (0.0012%); highest among the groups gnomAD compares: Non-Finnish European, 0.0017%; no homozygotes.

Submission:

Labcorp Genetics (formerly Invitae), Labcorp
Classification: Uncertain significance. Last evaluated: 2022-10-23. Review status: criteria provided, single submitter. Criteria: Invitae Variant Classification Sherloc (09022015). Collection method: clinical testing. Allele origin: germline.
Comment: In summary, the available evidence is currently insufficient to determine the role of this variant in disease. Therefore, it has been classified as a Variant of Uncertain Significance. Algorithms developed to predict the effect of missense changes on protein structure and function output the following: SIFT: "Tolerated"; PolyPhen-2: "Benign"; Align-GVGD: "Class C0". The aspartic acid amino acid residue is found in multiple mammalian species, which suggests that this missense change does not adversely affect protein function. This variant has not been reported in the literature in individuals affected with RP1-related conditions. This variant is present in population databases (rs778245191, gnomAD 0.002%). This sequence change replaces glutamic acid, which is acidic and polar, with aspartic acid, which is acidic and polar, at codon 1272 of the RP1 protein (p.Glu1272Asp).